The following is an entry in ClinVar:

NM_015512.5(DNAH1):c.8966C>T (p.Pro2989Leu)

Gene: DNAH1 (dynein axonemal heavy chain 1; plus strand). Cytogenetic location: 3p21.1.
Variant type: single nucleotide variant.
Coding change: c.8966C>T on transcript NM_015512.5 (MANE Select); coding-DNA position 8966, C replaced by T.
Protein change: p.Pro2989Leu; replaces proline 2989 with leucine.
Molecular consequence: missense variant.
Genome position (GRCh38, 1-based): chr3:52,386,816, C>T. VCF-style: chr3-52386816-C-T. GRCh37 (hg19) VCF-style: chr3-52420832-C-T.
Other names: short protein forms P2989L.
Identifiers: ClinVar variation 1909025 (VCV001909025.5), dbSNP rs766664087, ClinGen allele CA2435347.
Genomic context (GRCh38, chr3:52,386,816, plus strand): 5'-AAAAGCCAGGCACCAAGGTGGATGACTACTGGGAGCCTGGCAAGGGGCTGCTGCAGGACC[C>T]GGGCCACTTCCTTGAGAGCCTCTTCAAGTTTGACAAGGTAAGCATGCCAGGCACCCTGGC-3'
Protein context (NP_056327.4, residues 2979-2999): WEPGKGLLQD[Pro2989Leu]GHFLESLFKF

ClinVar aggregate classification (germline): Uncertain significance (1 of 4 stars; one submission).

Conditions:
Spermatogenic failure 18. Identifiers: MedGen C4539783, MONDO:0054615, OMIM 617576.
Ciliary dyskinesia, primary, 37 (CILD37). Also called: CILIARY DYSKINESIA, PRIMARY, 37, WITH OR WITHOUT SITUS INVERSUS. Identifiers: MedGen C4539798, MONDO:0033204, OMIM 617577.

Allele frequency attached by ClinVar (database versions not stated): gnomAD exomes 0.00001; TOPMed 0.00001; gnomAD 0.00002; ExAC 0.00003.
gnomAD v4.1: 22 of 1,586,482 alleles (0.0014%); highest among the groups gnomAD compares: African/African-American, 0.0041%; no homozygotes.

Submission:

Labcorp Genetics (formerly Invitae), Labcorp
Classification: Uncertain significance for Ciliary dyskinesia, primary, 37; Spermatogenic failure 18. Last evaluated: 2022-06-14. Review status: criteria provided, single submitter. Criteria: Invitae Variant Classification Sherloc (09022015). Collection method: clinical testing. Allele origin: germline.
Comment: In summary, the available evidence is currently insufficient to determine the role of this variant in disease. Therefore, it has been classified as a Variant of Uncertain Significance. Algorithms developed to predict the effect of missense changes on protein structure and function are either unavailable or do not agree on the potential impact of this missense change (SIFT: "Deleterious"; PolyPhen-2: "Possibly Damaging"; Align-GVGD: "Class C0"). This variant has not been reported in the literature in individuals affected with DNAH1-related conditions. This variant is not present in population databases (gnomAD no frequency). This sequence change replaces proline, which is neutral and non-polar, with leucine, which is neutral and non-polar, at codon 2989 of the DNAH1 protein (p.Pro2989Leu).